The following is an entry in ClinVar:

NM_000548.5(TSC2):c.2977_2979del (p.Thr993del)

Gene: TSC2 (TSC complex subunit 2; plus strand). Cytogenetic location: 16p13.3.
Variant type: Deletion.
Coding change: c.2977_2979del on transcript NM_000548.5 (MANE Select); coding-DNA positions 2977 to 2979, 3 bases deleted (ACG; older notation c.2977_2979delACG).
Protein change: p.Thr993del; deletes threonine 993.
Molecular consequence: inframe deletion.
Genome position (GRCh38, 1-based): chr16:2,079,042-2,079,044, ACG deleted; deleting any 3 consecutive bases within chr16:2,079,041-2,079,044 gives the same sequence; the c. name uses the placement nearest the transcript's 3' end. VCF-style (leftmost placement, unchanged base first): chr16-2079040-AGAC-A. GRCh37 (hg19) VCF-style: chr16-2129041-AGAC-A.
Other names: c.2845_2847del, p.Thr949del (NM_001077183.3, NM_001370404.1); c.2977_2979del, p.Thr993del (NM_001114382.3); c.2737_2739del, p.Thr913del (NM_001318827.2); c.2701_2703del, p.Thr901del (NM_001318829.2); c.2245_2247del, p.Thr749del (NM_001318831.2); c.2878_2880del, p.Thr960del (NM_001318832.2); c.2848_2850del, p.Thr950del (NM_001363528.2, NM_001370405.1, NM_021055.3); c.2977_2979delACG (NM_000548.3); short protein forms T749del, T901del, T993del, T949del, T960del, T913del, T950del.
Identifiers: ClinVar variation 1450889 (VCV001450889.9), dbSNP rs2151430223, ClinGen allele CA2573151636.

ClinVar aggregate classification (germline): Uncertain significance. Review status: criteria provided, multiple submitters, no conflicts (2 of 4 stars). 2 submissions from 2 submitters: Uncertain significance (2). Last evaluated 2025-10-03.

Conditions:
Hereditary cancer-predisposing syndrome. Also called: Tumor predisposition; Hereditary neoplastic syndrome; Hereditary Cancer Syndrome; Neoplastic Syndromes, Hereditary. Identifiers: Orphanet 140162, MedGen C0027672, MeSH D009386, MONDO:0015356.
Tuberous sclerosis 2 (TSC2). Identifiers: Orphanet 805, MedGen C1860707, MONDO:0013199, OMIM 613254.

Submissions (2):

Ambry Genetics
Classification: Uncertain significance for Hereditary cancer-predisposing syndrome. Last evaluated: 2025-10-03. Review status: criteria provided, single submitter. Criteria: Ambry Variant Classification Scheme 2023. Collection method: clinical testing. Allele origin: germline.
Comment: The c.2977_2979delACG variant (also known as p.T993del) is located in coding exon 26 of the TSC2 gene. This variant results from an in-frame ACG deletion at nucleotide positions 2977 to 2979. This results in the in-frame deletion of a threonine at codon 993. This amino acid position is well conserved in available vertebrate species. In addition, the in silico prediction for this variant is inconclusive (Choi Y et al. PLoS ONE. 2012; 7(10):e46688). Based on the available evidence, the clinical significance of this variant remains unclear.

Labcorp Genetics (formerly Invitae), Labcorp
Classification: Uncertain significance for Tuberous sclerosis 2. Last evaluated: 2023-09-05. Review status: criteria provided, single submitter. Criteria: Invitae Variant Classification Sherloc (09022015). Collection method: clinical testing. Allele origin: germline.
Comment: In summary, the available evidence is currently insufficient to determine the role of this variant in disease. Therefore, it has been classified as a Variant of Uncertain Significance. Experimental studies and prediction algorithms are not available or were not evaluated, and the functional significance of this variant is currently unknown. ClinVar contains an entry for this variant (Variation ID: 1450889). This variant has not been reported in the literature in individuals affected with TSC2-related conditions. This variant is not present in population databases (gnomAD no frequency). This variant, c.2977_2979del, results in the deletion of 1 amino acid(s) of the TSC2 protein (p.Thr993del), but otherwise preserves the integrity of the reading frame.